The following is an entry in ClinVar:

NM_000551.4(VHL):c.313A>C (p.Thr105Pro)

Gene: VHL (von Hippel-Lindau tumor suppressor; plus strand). Cytogenetic location: 3p25.3.
Variant type: single nucleotide variant.
Coding change: c.313A>C on transcript NM_000551.4 (MANE Select); coding-DNA position 313, A replaced by C.
Protein change: p.Thr105Pro; replaces threonine 105 with proline.
Molecular consequence: missense variant.
Genome position (GRCh38, 1-based): chr3:10,142,160, A>C. VCF-style: chr3-10142160-A-C. GRCh37 (hg19) VCF-style: chr3-10183844-A-C.
Other names: c.313A>C, p.Thr105Pro (NM_001354723.2, NM_198156.3); short protein forms T105P.
Identifiers: ClinVar variation 496055 (VCV000496055.3), dbSNP rs1553619461, ClinGen allele CA351751116.

ClinVar aggregate classification (germline): Pathogenic. Review status: criteria provided, single submitter (1 of 4 stars). 2 submissions from 2 submitters: Pathogenic (1). 1 of the submissions does not count toward it. Last evaluated 2016-02-05.

Conditions:
Von Hippel-Lindau syndrome (VHLS). Also called: VHL syndrome; Von Hippel-Lindau; von Hippel–Lindau syndrome. Identifiers: Orphanet 892, MedGen C0019562, MONDO:0008667, OMIM 193300. Disease mechanism: loss of function.

Submissions (2):

Women's Health and Genetics/Laboratory Corporation of America, LabCorp
Classification: Pathogenic for Von Hippel-Lindau syndrome. Last evaluated: 2016-02-05. Review status: criteria provided, single submitter. Criteria: LabCorp Variant Classification Summary - May 2015. Collection method: clinical testing. Allele origin: germline.

Swedish Neurofibromatosis Center, Swedish Medical Center
Classification: Pathogenic for Von Hippel-Lindau syndrome. Last evaluated: 2020-12-03. Review status: no assertion criteria provided. Collection method: clinical testing. Allele origin: somatic. Inheritance: Somatic mutation. Affected: yes. Observed: 1 heterozygote. Not counted in ClinVar's aggregate classification.
Comment: PM1 Located in a mutational hot spot. PM2 Absent from controls. PP2 Missense variant in a gene that has a low rate. PP3 Multiple lines of computational evidence. PP4 Patient's phenotype is highly specific for a disease with a single genetic etiology. PP5 Reputable source recently reports variant as pathogenic. ClinVar classifies this variant as Pathogenic VCV000496055.

Literature cited by the submitters: PubMed 10408776 (cited by Women's Health and Genetics/Laboratory Corporation of America, LabCorp); PubMed 9829912 (cited by Women's Health and Genetics/Laboratory Corporation of America, LabCorp).